The following is an entry in ClinVar:

NM_001114753.3(ENG):c.1689del (p.Val564fs)

Genes: ENG (endoglin; minus strand), LOC102723566 (uncharacterized LOC102723566; plus strand). Cytogenetic location: 9q34.11.
Variant type: Deletion.
Coding change: c.1689del on transcript NM_001114753.3 (MANE Select); coding-DNA position 1689, one base deleted (A; older notation c.1689delA).
Protein change: p.Val564fs; shifts the reading frame from valine 564.
Molecular consequence: frameshift variant. On other transcripts: non-coding transcript variant (1).
Genome position (GRCh38, 1-based): chr9:127,817,201, T deleted on the plus strand (A on the coding strand, the reverse complement: ENG is on the minus strand); the first of 2 consecutive T bases (chr9:127,817,201-127,817,202); deleting either gives the same sequence. VCF-style (leftmost placement, unchanged base first): chr9-127817200-CT-C. GRCh37 (hg19) VCF-style: chr9-130579479-CT-C.
Other names: c.1689del, p.Val564fs (NM_000118.4); c.1143del, p.Val382fs (NM_001278138.2); short protein forms V382fs, V564fs.
Identifiers: ClinVar variation 3232714 (VCV003232714.1), dbSNP rs2539056864, ClinGen allele CA2825001606.

ClinVar aggregate classification (germline): Pathogenic (1 of 4 stars; one submission).

Conditions:
Cardiovascular phenotype. Identifiers: MedGen CN230736.

Submission:

Ambry Genetics
Classification: Pathogenic for Cardiovascular phenotype. Last evaluated: 2024-02-29. Review status: criteria provided, single submitter. Criteria: Ambry Variant Classification Scheme 2023. Collection method: clinical testing. Allele origin: germline.
Comment: The c.1689delA pathogenic mutation, located in coding exon 13 of the ENG gene, results from a deletion of one nucleotide at nucleotide position 1689, causing a translational frameshift with a predicted alternate stop codon (p.V564Sfs*9). This variant is considered to be rare based on population cohorts in the Genome Aggregation Database (gnomAD). This alteration is expected to result in loss of function by premature protein truncation or nonsense-mediated mRNA decay. As such, this alteration is interpreted as a disease-causing mutation.